The following is an entry in ClinVar:

NM_014915.3(ANKRD26):c.151C>T (p.His51Tyr)

Genes: ANKRD26 (ankyrin repeat domain 26; minus strand), LOC130003554 (ATAC-STARR-seq lymphoblastoid silent region 2243; plus strand). Cytogenetic location: 10p12.1.
Variant type: single nucleotide variant.
Coding change: c.151C>T on transcript NM_014915.3 (MANE Select); coding-DNA position 151, C replaced by T.
Protein change: p.His51Tyr; replaces histidine 51 with tyrosine.
Molecular consequence: missense variant.
Genome position (GRCh38, 1-based): chr10:27,100,176, G>A on the plus strand (C>T on the coding strand, the complement: ANKRD26 is on the minus strand). VCF-style: chr10-27100176-G-A. GRCh37 (hg19) VCF-style: chr10-27389105-G-A.
Other names: c.151C>T, p.His51Tyr (NM_001256053.2); short protein forms H51Y.
Identifiers: ClinVar variation 2886688 (VCV002886688.4), dbSNP rs2539361359, ClinGen allele CA376369670.
Genomic context (GRCh38, chr10:27,100,176, plus strand): 5'-TCTTCCTGAGCAAAAGGATCTGCTGCACTTTCGCCACATTACCCGCGCTGGCAGCTTTGT[G>A]GATCTTGCCGAGATCTCGGTCTCGGACGTGGTAGCCGGGCTGCGAGTAGGCGCCCTCCCC-3'
Protein context (NP_055730.2, residues 41-61): HVRDRDLGKI[His51Tyr]KAASAGNVAK

ClinVar aggregate classification (germline): Uncertain significance. Review status: criteria provided, multiple submitters, no conflicts (2 of 4 stars). 2 submissions from 2 submitters: Uncertain significance (2). Last evaluated 2025-01-17.

Conditions:
Inborn genetic diseases. Identifiers: MedGen C0950123, MeSH D030342.

Allele frequency attached by ClinVar (database versions not stated): gnomAD exomes below 0.00001.
gnomAD v4.1: 4 of 1,614,064 alleles (0.00025%); highest among the groups gnomAD compares: Non-Finnish European, 0.00034%; no homozygotes.

Submissions (2):

Ambry Genetics
Classification: Uncertain significance for Inborn genetic diseases. Last evaluated: 2025-01-17. Review status: criteria provided, single submitter. Criteria: Ambry Variant Classification Scheme 2023. Collection method: clinical testing. Allele origin: germline.
Comment: The p.H51Y variant (also known as c.151C>T), located in coding exon 1 of the ANKRD26 gene, results from a C to T substitution at nucleotide position 151. The histidine at codon 51 is replaced by tyrosine, an amino acid with similar properties. This amino acid position is conserved. In addition, the in silico prediction for this alteration is inconclusive. Based on the available evidence, the clinical significance of this variant remains unclear.

Labcorp Genetics (formerly Invitae), Labcorp
Classification: Uncertain significance. Last evaluated: 2023-07-28. Review status: criteria provided, single submitter. Criteria: Invitae Variant Classification Sherloc (09022015). Collection method: clinical testing. Allele origin: germline.
Comment: In summary, the available evidence is currently insufficient to determine the role of this variant in disease. Therefore, it has been classified as a Variant of Uncertain Significance. An algorithm developed to predict the effect of missense changes on protein structure and function (PolyPhen-2) suggests that this variant is likely to be disruptive. This variant has not been reported in the literature in individuals affected with ANKRD26-related conditions. This variant is not present in population databases (gnomAD no frequency). This sequence change replaces histidine, which is basic and polar, with tyrosine, which is neutral and polar, at codon 51 of the ANKRD26 protein (p.His51Tyr).